The following is an entry in ClinVar:

ClinVar aggregate classification (germline): Likely benign. Review status: criteria provided, single submitter (1 of 4 stars). 2 submissions from 2 submitters: Likely benign (1). 1 of the submissions does not count toward it. Last evaluated 2024-02-21.

Conditions:
COQ8A-related disorder. Also called: COQ8A-related condition.

Allele frequency attached by ClinVar (database versions not stated): gnomAD exomes 0.00001; gnomAD 0.00002; TOPMed 0.00002; ExAC 0.00010; 1000 Genomes Project 30x 0.00016; 1000 Genomes Project 0.00020.
gnomAD v4.1: 17 of 1,566,724 alleles (0.0011%); highest among the groups gnomAD compares: South Asian, 0.0035%; no homozygotes.

Submissions (2):

Labcorp Genetics (formerly Invitae), Labcorp
Classification: Likely benign. Last evaluated: 2024-02-21. Review status: criteria provided, single submitter. Criteria: Invitae Variant Classification Sherloc (09022015). Collection method: clinical testing. Allele origin: germline.

PreventionGenetics, part of Exact Sciences
Classification: Likely benign for COQ8A-related condition. Last evaluated: 2019-05-20. Review status: no assertion criteria provided. Collection method: clinical testing. Allele origin: germline. Not counted in ClinVar's aggregate classification.
Comment: This variant is classified as likely benign based on ACMG/AMP sequence variant interpretation guidelines (Richards et al. 2015 PMID: 25741868, with internal and published modifications).

NM_020247.5(COQ8A):c.678C>T (p.Phe226=)

Gene: COQ8A (coenzyme Q8A; plus strand). Cytogenetic location: 1q42.13.
Variant type: single nucleotide variant.
Coding change: c.678C>T on transcript NM_020247.5 (MANE Select); coding-DNA position 678, C replaced by T.
Protein change: p.Phe226=; no amino-acid change (phenylalanine 226 retained).
Molecular consequence: synonymous variant.
Genome position (GRCh38, 1-based): chr1:226,977,471, C>T. VCF-style: chr1-226977471-C-T. GRCh37 (hg19) VCF-style: chr1-227165172-C-T.
Other names: c.678C>T (NM_020247.4).
Identifiers: ClinVar variation 1962921 (VCV001962921.7), dbSNP rs529746753, ClinGen allele CA1425100.